The following is an entry in ClinVar:

NM_001166108.2(PALLD):c.223C>A (p.Leu75Ile)

Gene: PALLD (palladin, cytoskeletal associated protein; plus strand). Cytogenetic location: 4q32.3.
Variant type: single nucleotide variant.
Coding change: c.223C>A on transcript NM_001166108.2 (MANE Select); coding-DNA position 223, C replaced by A.
Protein change: p.Leu75Ile; replaces leucine 75 with isoleucine.
Molecular consequence: missense variant.
Genome position (GRCh38, 1-based): chr4:168,511,727, C>A. VCF-style: chr4-168511727-C-A. GRCh37 (hg19) VCF-style: chr4-169432878-C-A.
Other names: c.223C>A, p.Leu75Ile (NM_016081.4); short protein forms L75I.
Identifiers: ClinVar variation 1788240 (VCV001788240.2), dbSNP rs373423877, ClinGen allele CA358725062.
Genomic context (GRCh38, chr4:168,511,727, plus strand): 5'-ACAGAAGATTTTGACTCGGAAAAGGAGATCTCGCAGATTTTCAGTACTTCTCCTGCAAGC[C>A]TCTGTGAACATCCTTCCCATAAGGAGACCAAATTGGGTGAACACGCCTCGAGGAGACCTC-3'
Protein context (NP_001159580.1, residues 65-85): SQIFSTSPAS[Leu75Ile]CEHPSHKETK

ClinVar aggregate classification (germline): Uncertain significance (1 of 4 stars; one submission).

Submission:

Ambry Genetics
Classification: Uncertain significance. Last evaluated: 2022-06-22. Review status: criteria provided, single submitter. Criteria: Ambry Variant Classification Scheme 2023. Collection method: clinical testing. Allele origin: germline.
Comment: The p.L75I variant (also known as c.223C>A), located in coding exon 1 of the PALLD gene, results from a C to A substitution at nucleotide position 223. The leucine at codon 75 is replaced by isoleucine, an amino acid with highly similar properties. This amino acid position is conserved. In addition, this alteration is predicted to be tolerated by in silico analysis. Since supporting evidence is limited at this time, the clinical significance of this alteration remains unclear.